The following is an entry in ClinVar:

NM_002857.4(PEX19):c.883C>A (p.Gln295Lys)

Gene: PEX19 (peroxisomal biogenesis factor 19; minus strand). Cytogenetic location: 1q23.2.
Variant type: single nucleotide variant.
Coding change: c.883C>A on transcript NM_002857.4 (MANE Select); coding-DNA position 883, C replaced by A.
Protein change: p.Gln295Lys; replaces glutamine 295 with lysine.
Molecular consequence: missense variant. On other transcripts: non-coding transcript variant (2).
Genome position (GRCh38, 1-based): chr1:160,279,568, G>T on the plus strand (C>A on the coding strand, the complement: PEX19 is on the minus strand). VCF-style: chr1-160279568-G-T. GRCh37 (hg19) VCF-style: chr1-160249358-G-T.
Other names: c.831C>A, p.Asn277Lys (NM_001193644.1); short protein forms N277K, Q295K.
Identifiers: ClinVar variation 1721400 (VCV001721400.5), dbSNP rs2525302395, ClinGen allele CA343255096.

ClinVar aggregate classification (germline): Uncertain significance (1 of 4 stars; one submission).

Conditions:
Peroxisome biogenesis disorder 12A (Zellweger). Also called: Peroxisome biogenesis disorder 12A. Identifiers: Orphanet 912, MedGen C3554002, MONDO:0013951, OMIM 614886.

Submission:

Labcorp Genetics (formerly Invitae), Labcorp
Classification: Uncertain significance for Peroxisome biogenesis disorder 12A (Zellweger). Last evaluated: 2022-07-21. Review status: criteria provided, single submitter. Criteria: Invitae Variant Classification Sherloc (09022015). Collection method: clinical testing. Allele origin: germline.
Comment: This variant has not been reported in the literature in individuals affected with PEX19-related conditions. In summary, the available evidence is currently insufficient to determine the role of this variant in disease. Therefore, it has been classified as a Variant of Uncertain Significance. Algorithms developed to predict the effect of missense changes on protein structure and function are either unavailable or do not agree on the potential impact of this missense change (SIFT: "Tolerated"; PolyPhen-2: "Probably Damaging"; Align-GVGD: "Class C0"). This variant is not present in population databases (gnomAD no frequency). This sequence change replaces glutamine, which is neutral and polar, with lysine, which is basic and polar, at codon 295 of the PEX19 protein (p.Gln295Lys).